The following is an entry in ClinVar:

NM_001903.5(CTNNA1):c.331T>C (p.Phe111Leu)

Gene: CTNNA1 (catenin alpha 1; plus strand). Cytogenetic location: 5q31.2.
Variant type: single nucleotide variant.
Coding change: c.331T>C on transcript NM_001903.5 (MANE Select); coding-DNA position 331, T replaced by C.
Protein change: p.Phe111Leu; replaces phenylalanine 111 with leucine.
Molecular consequence: missense variant. On other transcripts: intron variant (1).
Genome position (GRCh38, 1-based): chr5:138,810,067, T>C. VCF-style: chr5-138810067-T-C. GRCh37 (hg19) VCF-style: chr5-138145756-T-C.
Other names: c.331T>C, p.Phe111Leu (NM_001290307.3, NM_001323982.2, NM_001323983.1 and 3 more transcripts); c.22T>C, p.Phe8Leu (NM_001290309.3); c.-5-34T>C (NM_001290310.3); short protein forms F8L, F111L.
Identifiers: ClinVar variation 662901 (VCV000662901.8), dbSNP rs769342340, ClinGen allele CA3431422.
Genomic context (GRCh38, chr5:138,810,067, plus strand): 5'-TGCTGAGTTTGTTTTTCATTCTGTAAAACAGGTGATTTGATGAAGGCTGCTGCAGGAGAG[T>C]TCGCAGATGATCCCTGCTCTTCTGTGAAGCGAGGCAACATGGTTCGGGCAGCTCGAGCTT-3'
Protein context (NP_001894.2, residues 101-121): GDLMKAAAGE[Phe111Leu]ADDPCSSVKR

ClinVar aggregate classification (germline): Uncertain significance (1 of 4 stars; one submission).

Allele frequency attached by ClinVar (database versions not stated): gnomAD exomes below 0.00001; ExAC 0.00001.

Submission:

Labcorp Genetics (formerly Invitae), Labcorp
Classification: Uncertain significance. Last evaluated: 2018-09-20. Review status: criteria provided, single submitter. Criteria: Invitae Variant Classification Sherloc (09022015). Collection method: clinical testing. Allele origin: germline.
Comment: In summary, the available evidence is currently insufficient to determine the role of this variant in disease. Therefore, it has been classified as a Variant of Uncertain Significance. Algorithms developed to predict the effect of missense changes on protein structure and function are either unavailable or do not agree on the potential impact of this missense change (SIFT: "Deleterious"; PolyPhen-2: "Probably Damaging"; Align-GVGD: "Class C0"). This variant has not been reported in the literature in individuals with CTNNA1-related disease. This variant is present in population databases (rs769342340, ExAC 0.009%). This sequence change replaces phenylalanine with leucine at codon 111 of the CTNNA1 protein (p.Phe111Leu). The phenylalanine residue is highly conserved and there is a small physicochemical difference between phenylalanine and leucine.